The following is an entry in ClinVar:

ClinVar aggregate classification (germline): Pathogenic (1 of 4 stars; one submission).

Submission:

ISCA Site 6
Classification: Pathogenic. Last evaluated: 2011-08-12. Review status: criteria provided, single submitter. Criteria: Kaminsky et al. (Genet Med. 2011). Collection method: clinical testing. Allele origin: unknown. Affected: yes. Observed: 1 variant allele.
Comment: Copy number variation identified through the course of routine clinical cytogenomic testing in postnatal populations. Clinical assertions have been curated as described in Kaminsky et al. 2011.

GRCh38/hg38 20q13.33(chr20:62455231-63839491)x1

Genes: MHENCR (melanoma highly expressed competing endogenous lncRNA for miR-425 and miR-489; plus strand), MIR1-1 (microRNA 1-1; plus strand), MIR1-1HG (MIR1-1 host gene; plus strand), MIR124-3 (microRNA 124-3; plus strand), MIR133A2 (microRNA 133a-2; plus strand) and 181 more. Cytogenetic location: 20q13.33.
Variant type: copy number loss.
Change: copy number 1 (one copy instead of two) of chr20:62,455,231-63,839,491 (1.38 Mb, GRCh38 coordinates, 1-based), cytogenetic band 20q13.33.
Identifiers: ClinVar variation 58974 (VCV000058974.2).